The following is an entry in ClinVar:

ClinVar aggregate classification (germline): Likely pathogenic. Review status: criteria provided, single submitter (1 of 4 stars). 2 submissions from 2 submitters: Likely pathogenic (1). 1 of the submissions does not count toward it. Last evaluated 2025-09-12.

Conditions:
Primary hyperoxaluria, type I (HP1). Also called: GLYCOLIC ACIDURIA; HEPATIC AGT DEFICIENCY; OXALOSIS I; Primary hyperoxaluria type 1. Identifiers: Orphanet 416, Orphanet 93598, MedGen C0268164, MONDO:0009823, OMIM 259900. Disease mechanism: loss of function.

Submissions (2):

Natera, Inc.
Classification: Likely pathogenic for Primary hyperoxaluria type I. Last evaluated: 2025-09-12. Review status: criteria provided, single submitter. Criteria: Natera Variant Classification Schema (03/2026). Collection method: clinical testing. Allele origin: germline.
Comment: The c.518G>A variant in AGXT is a missense variant predicted to cause substitution of cysteine to tyrosine at amino acid 173. This variant is rare in the general population with a frequency below the threshold expected for the associated phenotype(s). This variant has been observed in one or more individuals affected with the associated recessive disease, as either homozygous or compound heterozygous with a second variant (PMID: 10453743). A different variant at the same position has been determined to be Pathogenic or Likely Pathogenic. Computational prediction algorithms indicate this variant is likely to affect gene or protein function. Given the available evidence, this variant is classified as Likely Pathogenic.

Clinical Biochemistry Laboratory, Health Services Laboratory
Classification: Pathogenic for Primary hyperoxaluria, type I. Last evaluated: 2014-11-27. Review status: no assertion criteria provided. Collection method: in vitro. Allele origin: germline. Affected: yes. Not counted in ClinVar's aggregate classification.

Literature cited by the submitters: PubMed 10453743 (cited by Natera, Inc.); PubMed 9604803 (cited by Clinical Biochemistry Laboratory, Health Services Laboratory); PubMed 17495019 (cited by Clinical Biochemistry Laboratory, Health Services Laboratory).

NM_000030.3(AGXT):c.518G>A (p.Cys173Tyr)

Gene: AGXT (alanine--glyoxylate aminotransferase; plus strand). Cytogenetic location: 2q37.3.
Variant type: single nucleotide variant.
Coding change: c.518G>A on transcript NM_000030.3 (MANE Select); coding-DNA position 518, G replaced by A.
Protein change: p.Cys173Tyr; replaces cysteine 173 with tyrosine.
Molecular consequence: missense variant.
Genome position (GRCh38, 1-based): chr2:240,871,443, G>A. VCF-style: chr2-240871443-G-A. GRCh37 (hg19) VCF-style: chr2-241810860-G-A.
Other names: short protein forms C173Y.
Identifiers: ClinVar variation 204108 (VCV000204108.2), dbSNP rs180177231, ClinGen allele CA275703.
Genomic context (GRCh38, chr2:240,871,443, plus strand): 5'-TAACCCACGGGGAGTCGTCCACCGGCGTGCTGCAGCCCCTTGATGGCTTCGGGGAACTCT[G>A]CCACAGGTGAGCCTGGCCCCAGGGCGGTGGACTGGAGCACAGCTCAGAGCCAGGCTATGG-3'
Protein context (NP_000021.1, residues 163-183): LQPLDGFGEL[Cys173Tyr]HRYKCLLLVD